The following is an entry in ClinVar:

NM_000038.6(APC):c.6938C>A (p.Ala2313Asp)

Gene: APC (APC regulator of Wnt signaling pathway; plus strand). Cytogenetic location: 5q22.2.
Variant type: single nucleotide variant.
Coding change: c.6938C>A on transcript NM_000038.6 (MANE Select); coding-DNA position 6938, C replaced by A.
Protein change: p.Ala2313Asp; replaces alanine 2313 with aspartic acid.
Molecular consequence: missense variant. On other transcripts: non-coding transcript variant (2).
Genome position (GRCh38, 1-based): chr5:112,842,532, C>A. VCF-style: chr5-112842532-C-A. GRCh37 (hg19) VCF-style: chr5-112178229-C-A.
Other names: c.6938C>A, p.Ala2313Asp (NM_001127510.3, NM_001354895.2, NM_001407450.1); c.6884C>A, p.Ala2295Asp (NM_001127511.3); c.6992C>A, p.Ala2331Asp (NM_001354896.2, NM_001407447.1, NM_001407448.1 and 1 more transcripts); c.6968C>A, p.Ala2323Asp (NM_001354897.2); c.6863C>A, p.Ala2288Asp (NM_001354898.2); c.6854C>A, p.Ala2285Asp (NM_001354899.2); c.6815C>A, p.Ala2272Asp (NM_001354900.2); c.6761C>A, p.Ala2254Asp (NM_001354901.2, NM_001407453.1); and 11 more; short protein forms A2153D, A2184D, A2212D, A2222D, A2230D, A2295D, A2323D, A2341D.
Identifiers: ClinVar variation 2624858 (VCV002624858.2), dbSNP rs2149976714, ClinGen allele CA16036462.
Genomic context (GRCh38, chr5:112,842,532, plus strand): 5'-GTGGGTCAAGTAAAGCACCTTCTAGATCAGGATCTAGAGATTCGACCCCTTCAAGACCTG[C>A]CCAGCAACCATTAAGTAGACCTATACAGTCTCCTGGCCGAAACTCAATTTCCCCTGGTAG-3'
Protein context (NP_000029.2, residues 2303-2323): GSRDSTPSRP[Ala2313Asp]QQPLSRPIQS

ClinVar aggregate classification (germline): Uncertain significance (1 of 4 stars; one submission).

Conditions:
Hereditary cancer-predisposing syndrome. Also called: Tumor predisposition; Hereditary Cancer Syndrome; Hereditary neoplastic syndrome; Neoplastic Syndromes, Hereditary. Identifiers: Orphanet 140162, MedGen C0027672, MeSH D009386, MONDO:0015356.

Submission:

Ambry Genetics
Classification: Uncertain significance for Hereditary cancer-predisposing syndrome. Last evaluated: 2023-07-05. Review status: criteria provided, single submitter. Criteria: Ambry Variant Classification Scheme 2023. Collection method: clinical testing. Allele origin: germline.
Comment: The p.A2313D variant (also known as c.6938C>A), located in coding exon 15 of the APC gene, results from a C to A substitution at nucleotide position 6938. The alanine at codon 2313 is replaced by aspartic acid, an amino acid with dissimilar properties. This amino acid position is conserved. In addition, in silico predictors for this gene do not accurately predict pathogenicity. Since supporting evidence is limited at this time, the clinical significance of this alteration remains unclear.